The following is an entry in ClinVar:

ClinVar aggregate classification (germline): Conflicting classifications of pathogenicity. Review status: criteria provided, conflicting classifications (1 of 4 stars). 4 submissions from 4 submitters: Uncertain significance (1); Likely benign (3). Last evaluated 2026-01-21.

Conditions:
CC2D2A-related disorder. Also called: CC2D2A-related disorders; CC2D2A-related condition. Identifiers: MedGen CN239313.
Joubert syndrome. Also called: Familial aplasia of the vermis; JOUBERT-BOLTSHAUSER SYNDROME. Identifiers: Orphanet 475, MedGen C5979921, MONDO:0018772.
Meckel-Gruber syndrome. Also called: Dysencephalia splachnocystica; DYSENCEPHALIA SPLANCHNOCYSTICA; GRUBER SYNDROME. Identifiers: Orphanet 564, MedGen C0265215, MONDO:0018921.

Allele frequency attached by ClinVar (database versions not stated): TOPMed 0.00003; gnomAD 0.00004.
gnomAD v4.1: 70 of 1,610,212 alleles (0.0043%); highest among the groups gnomAD compares: South Asian, 0.0089%; no homozygotes.

Submissions (4):

Labcorp Genetics (formerly Invitae), Labcorp
Classification: Likely benign for Joubert syndrome; Meckel-Gruber syndrome. Last evaluated: 2026-01-21. Review status: criteria provided, single submitter. Criteria: Invitae Variant Classification Sherloc (09022015). Collection method: clinical testing. Allele origin: germline.

PreventionGenetics, part of Exact Sciences
Classification: Likely benign for CC2D2A-related condition. Last evaluated: 2025-11-25. Review status: criteria provided, single submitter. Criteria: ACMG Guidelines, 2015. Collection method: clinical testing. Allele origin: germline.
Comment: This variant is classified as likely benign based on ACMG/AMP sequence variant interpretation guidelines (Richards et al. 2015 PMID: 25741868, with internal and published modifications).

Blueprint Genetics
Classification: Likely benign. Last evaluated: 2024-03-28. Review status: criteria provided, single submitter. Criteria: ACMG Guidelines, 2015. Collection method: clinical testing. Allele origin: germline.

Eurofins Ntd Llc (ga)
Classification: Uncertain significance. Last evaluated: 2016-04-04. Review status: criteria provided, single submitter. Criteria: EGL Classification Definitions 2015. Collection method: clinical testing. Allele origin: germline. Observed: 1 variant allele, 1 heterozygote.

NM_001378615.1(CC2D2A):c.415T>C (p.Leu139=)

Genes: CC2D2A (coiled-coil and C2 domain containing 2A; plus strand), FBXL5 (F-box and leucine rich repeat protein 5; minus strand). Cytogenetic location: 4p15.32.
Variant type: single nucleotide variant.
Coding change: c.415T>C on transcript NM_001378615.1 (MANE Select); coding-DNA position 415, T replaced by C.
Protein change: p.Leu139=; no amino-acid change (leucine 139 retained).
Molecular consequence: synonymous variant.
Genome position (GRCh38, 1-based): chr4:15,502,900, T>C. VCF-style: chr4-15502900-T-C. GRCh37 (hg19) VCF-style: chr4-15504523-T-C.
Other names: c.415T>C, p.Leu139= (NM_001080522.2); c.268T>C, p.Leu90= (NM_001378617.1).
Identifiers: ClinVar variation 287360 (VCV000287360.20), dbSNP rs570078140, ClinGen allele CA2863403.
Genomic context (GRCh38, chr4:15,502,900, plus strand): 5'-TTGCTGCAGGAAATCCCCACTCCTCGGCCCAGACGCTTACGAAGTCCCAGTAAGAAAGAA[T>C]TGGAGACTGAATTTGGCACAGAGGTGAGAAATACCCTCTCTACTTTGTGATCAAAACCAG-3'
Protein context (NP_001365544.1, residues 129-149): RRLRSPSKKE[Leu139=]ETEFGTEPGK